The following is an entry in ClinVar:

ClinVar aggregate classification (germline): Conflicting classifications of pathogenicity. Review status: criteria provided, conflicting classifications (1 of 4 stars). 2 submissions from 2 submitters: Uncertain significance (1); Likely benign (1). Last evaluated 2024-11-01.

Allele frequency attached by ClinVar (database versions not stated): gnomAD exomes below 0.00001; gnomAD 0.00001.

Submissions (2):

CeGaT Center for Human Genetics Tuebingen
Classification: Likely benign. Last evaluated: 2024-11-01. Review status: criteria provided, single submitter. Criteria: CeGaT Center For Human Genetics Tuebingen Variant Classification Criteria Version 2. Collection method: clinical testing. Allele origin: germline. Affected: yes. Observed: 1 variant allele.
Comment: CUX2: BS2

Women's Health and Genetics/Laboratory Corporation of America, LabCorp
Classification: Uncertain significance. Last evaluated: 2023-05-17. Review status: criteria provided, single submitter. Criteria: LabCorp Variant Classification Summary - May 2015. Collection method: clinical testing. Allele origin: germline.
Comment: Variant summary: CUX2 c.2569G>A (p.Ala857Thr) results in a non-conservative amino acid change in the encoded protein sequence. Four of five in-silico tools predict a benign effect of the variant on protein function. The variant allele was found at a frequency of 7.6e-06 in 132082 control chromosomes. The available data on variant occurrences in the general population are insufficient to allow any conclusion about variant significance. To our knowledge, no occurrence of c.2569G>A in individuals affected with Early Infantile Epileptic Encephalopathy, Autosomal Dominant and no experimental evidence demonstrating its impact on protein function have been reported. No clinical diagnostic laboratories have submitted clinical-significance assessments for this variant to ClinVar after 2014. Based on the evidence outlined above, the variant was classified as uncertain significance.

NM_015267.4(CUX2):c.2569G>A (p.Ala857Thr)

Gene: CUX2 (cut like homeobox 2; plus strand). Cytogenetic location: 12q24.12.
Variant type: single nucleotide variant.
Coding change: c.2569G>A on transcript NM_015267.4 (MANE Select); coding-DNA position 2569, G replaced by A.
Protein change: p.Ala857Thr; replaces alanine 857 with threonine.
Molecular consequence: missense variant.
Genome position (GRCh38, 1-based): chr12:111,320,578, G>A. VCF-style: chr12-111320578-G-A. GRCh37 (hg19) VCF-style: chr12-111758382-G-A.
Other names: c.2383G>A, p.Ala795Thr (NM_001370598.1); short protein forms A795T, A857T.
Identifiers: ClinVar variation 2506021 (VCV002506021.15), dbSNP rs1433050149, ClinGen allele CA386713720.